The following continues an entry in ClinVar:

NM_002225.5(IVD):c.932C>T (p.Ala311Val)

Gene: IVD. ClinVar aggregate classification (germline): Pathogenic. Pathogenic (21).

Submissions 10 to 22 of 22:

Women's Health and Genetics/Laboratory Corporation of America, LabCorp
Classification: Pathogenic for Isovaleryl-CoA dehydrogenase deficiency. Last evaluated: 2024-12-03. Review status: criteria provided, single submitter. Criteria: LabCorp Variant Classification Summary - May 2015. Collection method: clinical testing. Allele origin: germline.
Comment: Variant summary: IVD c.932C>T (p.Ala311Val) results in a non-conservative amino acid change in the encoded protein sequence. Four of five in-silico tools predict a damaging effect of the variant on protein function. The variant allele was found at a frequency of 0.00064 in 251360 control chromosomes. This frequency is not significantly higher than estimated for a pathogenic variant in IVD causing Isovaleryl-CoA Dehydrogenase Deficiency (0.00064 vs 0.0022), allowing no conclusion about variant significance. c.932C>T has been reported in the literature in multiple individuals affected with a milder/subclinical presentation of Isovaleryl-CoA Dehydrogenase Deficiency/Isovaleric acidemia (IVA) (example, PMID: 27904153, 15486829, 9665741). These data indicate that the variant is very likely to be associated with disease. At least one publication reports experimental evidence evaluating an impact on protein function in vitro (PMID: 9665741). The most pronounced variant effect results in <3% of normal catalytic efficiency per mole of flavin adenine dinucleotide (FAD) content and 19% of wild type Isovaleryl-CoA dehydrogenase (IVD) enzyme activity. The following publications have been ascertained in the context of this evaluation (PMID: 27904153, 15486829, 9665741). ClinVar contains an entry for this variant (Variation ID: 100060). Based on the evidence outlined above, the variant was classified as pathogenic.

Blueprint Genetics
Classification: Pathogenic for IVD-related disorders. Last evaluated: 2024-11-20. Review status: criteria provided, single submitter. Criteria: ACMG Guidelines, 2015. Collection method: clinical testing. Allele origin: germline. Affected: yes. Observed: 5 variant alleles.

Revvity Omics, Revvity
Classification: Pathogenic for Isovaleryl-CoA dehydrogenase deficiency. Last evaluated: 2024-06-17. Review status: criteria provided, single submitter. Criteria: ACMG Guidelines, 2015. Collection method: clinical testing. Allele origin: germline.

Baylor Genetics
Classification: Pathogenic for Isovaleryl-CoA dehydrogenase deficiency. Last evaluated: 2024-03-30. Review status: criteria provided, single submitter. Criteria: ACMG Guidelines, 2015. Collection method: clinical testing. Allele origin: unknown.

Fulgent Genetics
Classification: Pathogenic for Isovaleryl-CoA dehydrogenase deficiency. Last evaluated: 2024-01-08. Review status: criteria provided, single submitter. Criteria: ACMG Guidelines, 2015. Collection method: clinical testing. Allele origin: germline.

Clinical Genetics Laboratory, Skane University Hospital Lund
Classification: Pathogenic. Last evaluated: 2022-05-27. Review status: criteria provided, single submitter. Criteria: ACMG Guidelines, 2015. Collection method: clinical testing. Allele origin: germline. Affected: yes.

Greenwood Genetic Center Diagnostic Laboratories, Greenwood Genetic Center
Classification: Pathogenic. Last evaluated: 2020-10-13. Review status: criteria provided, single submitter. Criteria: ACMG Guidelines, 2015. Collection method: clinical testing. Allele origin: germline. Affected: yes.

Myriad Genetics, Inc.
Classification: Pathogenic for Isovaleryl-CoA dehydrogenase deficiency. Last evaluated: 2019-11-13. Review status: criteria provided, single submitter. Criteria: Myriad Women's Health Autosomal Recessive and X-Linked Classification Criteria (2019). Collection method: clinical testing. Allele origin: unknown.
Comment: NM_002225.3(IVD):c.941C>T(A314V, aka A311V) is classified as pathogenic in the context of isovaleric acidemia. Please note that individuals with the A314V variant may have a mild form of isovaleric acidemia or may be asymptomatic. Sources cited for classification include the following: PMID 15486829, 15337167 and 9665741. Classification of NM_002225.3(IVD):c.941C>T(A314V, aka A311V) is based on the following criteria: This is a well-established pathogenic variant in the literature that has been observed more frequently in patients with clinical diagnoses than in healthy populations. Please note: this variant was assessed in the context of healthy population screening.

Institute of Human Genetics, University of Leipzig Medical Center
Classification: Pathogenic for Isovaleryl-CoA dehydrogenase deficiency. Last evaluated: 2018-01-11. Review status: criteria provided, single submitter. Criteria: ACMG Guidelines, 2015. Collection method: clinical testing. Allele origin: germline. Affected: yes. Observed: 2 variant alleles.

Illumina Laboratory Services, Illumina
Classification: Pathogenic for Isovaleryl-CoA dehydrogenase deficiency. Last evaluated: 2017-04-27. Review status: criteria provided, single submitter. Criteria: ICSL Variant Classification Criteria 09 May 2019. Collection method: clinical testing. Allele origin: germline.
Comment: The IVD c.941C>T (p.Ala314Val) missense variant, also known as p.Ala282Val, is well-described in the literature as a common variant associated with isovaleric acidemia (IVA). Across a selection of the available literature, the p.Ala314Val variant has been identified in a homozygous state in six patients and in a compound heterozygous state in nine patients (Mohsen et al. 1998; Ensenauer et al. 2004; Lambrecht et al. 2015). The patients all presented with a very mild or asymptomatic clinical phenotype. One of the homozygous individuals also presented with Angelmann syndrome (Lambrecht et al. 2015). The p.Ala314Val variant was absent from 100 controls and is reported at a frequency of 0.00118 in the European (non-Finnish) population of the Exome Aggregation Consortium. Functional studies in patient cells and E. coli demonstrated that the variant resulted in reduced enzyme activity compared to wild type, ranging from no activity to 19% activity (Mohsen et al. 1998; Ensenauer et al. 2004). The enzyme also exhibits diminished thermal stability (Nasser et al. 2004). Based on the evidence, the p.Ala314Val variant is classified as pathogenic for isovaleric acidemia with an associated mild clinical presentation. This variant was observed by ICSL as part of a predisposition screen in an ostensibly healthy population.

Center for Pediatric Genomic Medicine, Children's Mercy Hospital and Clinics
Classification: Pathogenic. Last evaluated: 2017-01-11. Review status: criteria provided, single submitter. Criteria: ACMG Guidelines, 2015. Collection method: clinical testing. Allele origin: germline.

Eurofins Ntd Llc (ga)
Classification: Pathogenic. Last evaluated: 2014-08-20. Review status: criteria provided, single submitter. Criteria: EGL Classification Definitions. Collection method: clinical testing. Allele origin: germline. Observed: 11 variant alleles, 6 heterozygotes, 5 homozygotes.

OMIM
Classification: Pathogenic for ISOVALERIC ACIDEMIA. Last evaluated: 2004-12-01. Review status: no assertion criteria provided. Collection method: literature only. Allele origin: germline. Not counted in ClinVar's aggregate classification.

Literature cited by the submitters: PubMed 15486829 (cited by 7 submitters); PubMed 9665741 (cited by 5 submitters); PubMed 15337167 (cited by 3 submitters); PubMed 26937393 (cited by Ambry Genetics and Illumina Laboratory Services, Illumina); PubMed 32977617 (cited by Ambry Genetics); PubMed 33123633 (cited by Ambry Genetics); PubMed 33496032 (cited by Ambry Genetics); PubMed 27904153 (cited by Natera, Inc. and Women's Health and Genetics/Laboratory Corporation of America, LabCorp).